The following is an entry in ClinVar:

NM_001080453.3(INTS1):c.4184G>C (p.Ser1395Thr)

Gene: INTS1 (integrator complex subunit 1; minus strand). Cytogenetic location: 7p22.3.
Variant type: single nucleotide variant.
Coding change: c.4184G>C on transcript NM_001080453.3 (MANE Select); coding-DNA position 4184, G replaced by C.
Protein change: p.Ser1395Thr; replaces serine 1395 with threonine.
Molecular consequence: missense variant.
Genome position (GRCh38, 1-based): chr7:1,479,575, C>G on the plus strand (G>C on the coding strand, the complement: INTS1 is on the minus strand). VCF-style: chr7-1479575-C-G. GRCh37 (hg19) VCF-style: chr7-1519211-C-G.
Other names: c.701G>C, p.Ser234Thr (NM_015674.1); short protein forms S1395T, S234T.
Identifiers: ClinVar variation 2229542 (VCV002229542.2), dbSNP rs2483319369, ClinGen allele CA366586919.

ClinVar aggregate classification (germline): Uncertain significance (1 of 4 stars; one submission).

Conditions:
Inborn genetic diseases. Identifiers: MedGen C0950123, MeSH D030342.

Submission:

Ambry Genetics
Classification: Uncertain significance for Inborn genetic diseases. Last evaluated: 2021-03-22. Review status: criteria provided, single submitter. Criteria: Ambry Variant Classification Scheme 2023. Collection method: clinical testing. Allele origin: germline.
Comment: The c.4184G>C (p.S1395T) alteration is located in exon 31 (coding exon 30) of the INTS1 gene. This alteration results from a G to C substitution at nucleotide position 4184, causing the serine (S) at amino acid position 1395 to be replaced by a threonine (T). The p.S1395T alteration is predicted to be tolerated by in silico analysis. Based on insufficient or conflicting evidence, the clinical significance of this alteration remains unclear.